The following is an entry in ClinVar:

NM_013275.6(ANKRD11):c.1894C>T (p.His632Tyr)

Gene: ANKRD11 (ankyrin repeat domain containing 11; minus strand). Cytogenetic location: 16q24.3.
Variant type: single nucleotide variant.
Coding change: c.1894C>T on transcript NM_013275.6 (MANE Select); coding-DNA position 1894, C replaced by T.
Protein change: p.His632Tyr; replaces histidine 632 with tyrosine.
Molecular consequence: missense variant.
Genome position (GRCh38, 1-based): chr16:89,284,648, G>A on the plus strand (C>T on the coding strand, the complement: ANKRD11 is on the minus strand). VCF-style: chr16-89284648-G-A. GRCh37 (hg19) VCF-style: chr16-89351056-G-A.
Other names: c.1894C>T, p.His632Tyr (NM_001256182.2, NM_001256183.2); short protein forms H632Y.
Identifiers: ClinVar variation 1782121 (VCV001782121.2), dbSNP rs2034516974, ClinGen allele CA397163683.

ClinVar aggregate classification (germline): Uncertain significance (1 of 4 stars; one submission).

Conditions:
Inborn genetic diseases. Identifiers: MedGen C0950123, MeSH D030342.

Allele frequency attached by ClinVar (database versions not stated): TOPMed below 0.00001.
gnomAD v4.1: 4 of 1,614,074 alleles (0.00025%); highest among the groups gnomAD compares: African/African-American, 0.0013%; 1 homozygote.

Submission:

Ambry Genetics
Classification: Uncertain significance for Inborn genetic diseases. Last evaluated: 2020-01-03. Review status: criteria provided, single submitter. Criteria: Ambry Variant Classification Scheme 2023. Collection method: clinical testing. Allele origin: germline.
Comment: The p.H632Y variant (also known as c.1894C>T), located in coding exon 7 of the ANKRD11 gene, results from a C to T substitution at nucleotide position 1894. The histidine at codon 632 is replaced by tyrosine, an amino acid with similar properties. This amino acid position is highly conserved in available vertebrate species. In addition, the in silico prediction for this alteration is inconclusive. Since supporting evidence is limited at this time, the clinical significance of this alteration remains unclear.